The following is an entry in ClinVar:

ClinVar aggregate classification (germline): Uncertain significance (1 of 4 stars; one submission).

Submission:

Labcorp Genetics (formerly Invitae), Labcorp
Classification: Uncertain significance. Last evaluated: 2023-02-26. Review status: criteria provided, single submitter. Criteria: Invitae Variant Classification Sherloc (09022015). Collection method: clinical testing. Allele origin: germline.
Comment: An algorithm developed to predict the effect of missense changes on protein structure and function (PolyPhen-2) suggests that this variant is likely to be disruptive. In summary, the available evidence is currently insufficient to determine the role of this variant in disease. Therefore, it has been classified as a Variant of Uncertain Significance. This sequence change replaces proline, which is neutral and non-polar, with leucine, which is neutral and non-polar, at codon 254 of the STS protein (p.Pro254Leu). This variant is not present in population databases (gnomAD no frequency). This variant has not been reported in the literature in individuals affected with STS-related conditions.

NM_001320752.2(STS):c.746C>T (p.Pro249Leu)

Gene: STS (steroid sulfatase; plus strand). Cytogenetic location: Xp22.31.
Variant type: single nucleotide variant.
Coding change: c.746C>T on transcript NM_001320752.2 (MANE Select); coding-DNA position 746, C replaced by T.
Protein change: p.Pro249Leu; replaces proline 249 with leucine.
Molecular consequence: missense variant.
Genome position (GRCh38, 1-based): chrX:7,259,712, C>T. VCF-style: chrX-7259712-C-T. GRCh37 (hg19) VCF-style: chrX-7177753-C-T.
Other names: c.746C>T, p.Pro249Leu (NM_000351.7, NM_001320753.2, NM_001320754.2); c.782C>T, p.Pro261Leu (NM_001320750.3, NM_001320751.2); short protein forms P249L, P261L.
Identifiers: ClinVar variation 2841149 (VCV002841149.3), dbSNP rs2518624303, ClinGen allele CA412021522.